The following is an entry in ClinVar:

NM_153717.3(EVC):c.928C>G (p.Leu310Val)

Gene: EVC (EvC ciliary complex subunit 1; plus strand). Cytogenetic location: 4p16.2.
Variant type: single nucleotide variant.
Coding change: c.928C>G on transcript NM_153717.3 (MANE Select); coding-DNA position 928, C replaced by G.
Protein change: p.Leu310Val; replaces leucine 310 with valine.
Molecular consequence: missense variant.
Genome position (GRCh38, 1-based): chr4:5,745,330, C>G. VCF-style: chr4-5745330-C-G. GRCh37 (hg19) VCF-style: chr4-5747057-C-G.
Other names: c.928C>G, p.Leu310Val (NM_001306090.2, NM_001306092.2); short protein forms L310V.
Identifiers: ClinVar variation 546095 (VCV000546095.21), dbSNP rs145300726, ClinGen allele CA2835909.
Genomic context (GRCh38, chr4:5,745,330, plus strand): 5'-GACTCTGAGTACATCACCCTGGCTGATGTGGAAAAGAAGGAGAGAGAATACTCTGAACAG[C>G]TAATCGATAATGTGCGTGCCAGACTTTCTTTCCTGTACACAAATTTTGGTTCCTAAAACA-3'
Protein context (NP_714928.1, residues 300-320): EKKEREYSEQ[Leu310Val]IDNMEAFWKQ

ClinVar aggregate classification (germline): Conflicting classifications of pathogenicity. Review status: criteria provided, conflicting classifications (1 of 4 stars). 6 submissions from 6 submitters: Pathogenic (1); Likely pathogenic (2); Uncertain significance (2). 1 of the submissions does not count toward it. Last evaluated 2025-07-21.

Conditions:
Ellis-van Creveld syndrome (EVC). Also called: Chondroectodermal dysplasia; MESOECTODERMAL DYSPLASIA. Identifiers: Orphanet 289, MedGen C0013903, MONDO:0009162, OMIM 225500.
Curry-Hall syndrome (WAD). Also called: WEYERS ACRODENTAL DYSOSTOSIS. Identifiers: Orphanet 952, MedGen C0457013, MONDO:0008673, OMIM 193530.

Allele frequency attached by ClinVar (database versions not stated): gnomAD 0.00001; TOPMed 0.00001; ExAC 0.00002; gnomAD exomes 0.00002; ESP Exome Variant Server 0.00008; 1000 Genomes Project 30x 0.00016; 1000 Genomes Project 0.00020.

Submissions (6):

Myriad Genetics, Inc.
Classification: Uncertain significance for Ellis-van Creveld syndrome. Last evaluated: 2025-07-21. Review status: criteria provided, single submitter. Criteria: Myriad Autosomal Dominant, Autosomal Recessive and X-Linked Classification Criteria (2023). Collection method: clinical testing. Allele origin: unknown.
Comment: NM_153717.2(EVC):c.928C>G(L310V) is a missense variant classified as a variant of uncertain significance in the context of EVC-related Ellis-van Creveld syndrome. L310V has been observed in a case with relevant disease (PMID: 23220543). Relevant functional assessments of this variant are not available in the literature. L310V has been observed in referenced population frequency databases. In summary, there is insufficient evidence to classify NM_153717.2(EVC):c.928C>G(L310V) as pathogenic or benign. Please note: this variant was assessed in the context of healthy population screening.

GeneDx
Classification: Likely pathogenic. Last evaluated: 2025-05-30. Review status: criteria provided, single submitter. Criteria: GeneDx Variant Classification Process June 2021. Collection method: clinical testing. Allele origin: germline. Affected: yes.
Comment: Not observed at significant frequency in large population cohorts (gnomAD); In silico analysis supports that this missense variant has a deleterious effect on splicing; In silico analysis supports that this missense variant does not alter protein structure/function; This variant is associated with the following publications: (PMID: 23220543)

Fulgent Genetics
Classification: Likely pathogenic for Curry-Hall syndrome; Ellis-van Creveld syndrome. Last evaluated: 2024-03-29. Review status: criteria provided, single submitter. Criteria: ACMG Guidelines, 2015. Collection method: clinical testing. Allele origin: germline.

Labcorp Genetics (formerly Invitae), Labcorp
Classification: Pathogenic for Curry-Hall syndrome; Ellis-van Creveld syndrome. Last evaluated: 2023-12-05. Review status: criteria provided, single submitter. Criteria: Invitae Variant Classification Sherloc (09022015). Collection method: clinical testing. Allele origin: germline.
Comment: This sequence change replaces leucine, which is neutral and non-polar, with valine, which is neutral and non-polar, at codon 310 of the EVC protein (p.Leu310Val). This variant is present in population databases (rs145300726, gnomAD 0.004%). This missense change has been observed in individual(s) with Ellis-van Creveld syndrome (PMID: 23220543; Invitae). In at least one individual the data is consistent with being in trans (on the opposite chromosome) from a pathogenic variant. ClinVar contains an entry for this variant (Variation ID: 546095). Advanced modeling of protein sequence and biophysical properties (such as structural, functional, and spatial information, amino acid conservation, physicochemical variation, residue mobility, and thermodynamic stability) has been performed at Invitae for this missense variant, however the output from this modeling did not meet the statistical confidence thresholds required to predict the impact of this variant on EVC protein function. Algorithms developed to predict the effect of sequence changes on RNA splicing suggest that this variant may disrupt the consensus splice site. For these reasons, this variant has been classified as Pathogenic.

Women's Health and Genetics/Laboratory Corporation of America, LabCorp
Classification: Uncertain significance. Last evaluated: 2023-06-20. Review status: criteria provided, single submitter. Criteria: LabCorp Variant Classification Summary - May 2015. Collection method: clinical testing. Allele origin: germline.
Comment: Variant summary: EVC c.928C>G (p.Leu310Val) results in a conservative amino acid change in the encoded protein sequence. Three of five in-silico tools predict a benign effect of the variant on protein function. However, several computational tools predict a significant impact on normal splicing: four predict the variant creates a 5' donor site, and one predicts the variant strengthens a cryptic 3' acceptor site. However, these predictions have yet to be confirmed by functional studies. The variant allele was found at a frequency of 1.6e-05 in 251464 control chromosomes (gnomAD). The available data on variant occurrences in the general population are insufficient to allow any conclusion about variant significance. c.928C>G has been reported in the literature in at least one compound heterozygous individual affected with Ellis-van Creveld syndrome (e.g., D'Asdia_2013). These data do not allow any conclusion about variant significance. To our knowledge, no experimental evidence demonstrating an impact on protein function has been reported. The following publication was ascertained in the context of this evaluation (PMID: 23220543). Three submitters have reported clinical-significance assessments for this variant to ClinVar after 2014 with conflicting assessments (VUS, n = 1; Likely pathogenic, n = 1; Pathogenic, n = 1). Based on the evidence outlined above, the variant was classified as uncertain significance.

Counsyl
Classification: Uncertain significance for Ellis-van Creveld syndrome. Last evaluated: 2017-02-07. Review status: no assertion criteria provided. Collection method: clinical testing. Allele origin: unknown. Not counted in ClinVar's aggregate classification.

Literature cited by the submitters: PubMed 23220543 (cited by 4 submitters).